The following is an entry in ClinVar:

NM_001909.5(CTSD):c.827+13T>C

Gene: CTSD (cathepsin D; minus strand). Cytogenetic location: 11p15.5.
Variant type: single nucleotide variant.
Coding change: c.827+13T>C on transcript NM_001909.5 (MANE Select); 13 bases into the intron after coding-DNA position 827, T replaced by C.
Molecular consequence: intron variant.
Genome position (GRCh38, 1-based): chr11:1,754,893, A>G on the plus strand (T>C on the coding strand, the complement: CTSD is on the minus strand). VCF-style: chr11-1754893-A-G. GRCh37 (hg19) VCF-style: chr11-1776123-A-G.
Identifiers: ClinVar variation 137062 (VCV000137062.17), dbSNP rs369602025, ClinGen allele CA290558.

ClinVar aggregate classification (germline): Conflicting classifications of pathogenicity. Review status: criteria provided, conflicting classifications (1 of 4 stars). 6 submissions from 6 submitters: Uncertain significance (1); Benign (2); Likely benign (2). 1 of the submissions does not count toward it. Last evaluated 2026-02-03.

Conditions:
Neuronal ceroid lipofuscinosis. Also called: Neuronal Ceroid Lipofuscinoses. Identifiers: Orphanet 216, Orphanet 79263, MedGen C0027877, MONDO:0016295. Disease mechanism: loss of function.
Neuronal ceroid lipofuscinosis 10 (CLN10). Also called: NEURONAL CEROID LIPOFUSCINOSIS DUE TO CATHEPSIN D DEFICIENCY; CTSD-Related Neuronal Ceroid-Lipofuscinosis. Identifiers: Orphanet 228337, MedGen C1864669, MONDO:0012414, OMIM 610127.

Allele frequency attached by ClinVar (database versions not stated): 1000 Genomes Project 30x 0.00016; 1000 Genomes Project 0.00020; gnomAD 0.00036 and 0.00038; TOPMed 0.00048; gnomAD exomes 0.00053 and 0.00065; ExAC 0.00064; ESP Exome Variant Server 0.00085.
gnomAD v4.1: 1,003 of 1,613,652 alleles (0.062%); highest among the groups gnomAD compares: Middle Eastern, 0.66%; 5 homozygotes.

Submissions (6):

Labcorp Genetics (formerly Invitae), Labcorp
Classification: Benign for Neuronal ceroid lipofuscinosis. Last evaluated: 2026-02-03. Review status: criteria provided, single submitter. Criteria: Invitae Variant Classification Sherloc (09022015). Collection method: clinical testing. Allele origin: germline.

Blueprint Genetics
Classification: Likely benign. Last evaluated: 2024-11-01. Review status: criteria provided, single submitter. Criteria: ACMG Guidelines, 2015. Collection method: clinical testing. Allele origin: germline.

Illumina Laboratory Services, Illumina
Classification: Uncertain significance for Neuronal ceroid lipofuscinosis 10. Last evaluated: 2018-01-12. Review status: criteria provided, single submitter. Criteria: ICSL Variant Classification Criteria 13 December 2019. Collection method: clinical testing. Allele origin: germline.

Genome Diagnostics Laboratory, University Medical Center Utrecht
Classification: Likely benign for Neuronal ceroid lipofuscinosis 10. Last evaluated: 2015-01-19. Review status: criteria provided, single submitter. Criteria: ACGS Guidelines, 2013. Collection method: clinical testing. Allele origin: germline. Affected: yes. Study: VKGL Data-share Consensus.

GeneDx
Classification: Benign. Last evaluated: 2012-05-16. Review status: criteria provided, single submitter. Criteria: GeneDx Variant Classification (06012015). Collection method: clinical testing. Allele origin: germline. Affected: yes.
Comment: This variant is considered likely benign or benign based on one or more of the following criteria: it is a conservative change, it occurs at a poorly conserved position in the protein, it is predicted to be benign by multiple in silico algorithms, and/or has population frequency not consistent with disease.

Genome Diagnostics Laboratory, Amsterdam University Medical Center
Classification: Likely benign for Neuronal ceroid lipofuscinosis 10. Last evaluated: 2017-08-14. Review status: no assertion criteria provided. Criteria: ACGS Guidelines, 2013. Collection method: clinical testing. Allele origin: germline. Affected: yes. Study: VKGL Data-share Consensus. Not counted in ClinVar's aggregate classification.